The following is an entry in ClinVar:

ClinVar aggregate classification (germline): Likely benign. Review status: criteria provided, multiple submitters, no conflicts (2 of 4 stars). 2 submissions from 2 submitters: Likely benign (2). Last evaluated 2026-01-16.

Conditions:
SNORD118-related condition.

Allele frequency attached by ClinVar (database versions not stated): gnomAD 0.00009 and 0.00015; TOPMed 0.00014; gnomAD exomes 0.00039 and 0.00066; ExAC 0.00041.

Submissions (2):

PreventionGenetics, part of Exact Sciences
Classification: Likely benign for SNORD118-related condition. Last evaluated: 2026-01-16. Review status: criteria provided, single submitter. Criteria: ACMG Guidelines, 2015. Collection method: clinical testing. Allele origin: germline.
Comment: This variant is classified as likely benign based on ACMG/AMP sequence variant interpretation guidelines (Richards et al. 2015 PMID: 25741868, with internal and published modifications).

Labcorp Genetics (formerly Invitae), Labcorp
Classification: Likely benign. Last evaluated: 2025-01-23. Review status: criteria provided, single submitter. Criteria: Invitae Variant Classification Sherloc (09022015). Collection method: clinical testing. Allele origin: germline.

NR_033294.2(SNORD118):n.91dup

Genes: SNORD118 (small nucleolar RNA, C/D box 118; minus strand), TMEM107 (transmembrane protein 107; minus strand). Cytogenetic location: 17p13.1.
Variant type: Duplication.
Molecular consequence: non-coding transcript variant (on NR_033294.2). On other transcripts: 3 prime UTR variant (5).
Genome position: GRCh38 VCF-style: chr17-8173497-G-GA. GRCh37 (hg19) VCF-style: chr17-8076815-G-GA.
Other names: c.*705dup (NM_001351278.2, NM_001351279.2, NM_001351280.2 and 2 more transcripts).
Identifiers: ClinVar variation 1632224 (VCV001632224.9), dbSNP rs761719332, ClinGen allele CA8370647.
Genomic context (GRCh38, chr17:8,173,497, plus strand): 5'-AGTGATCGTCAGAAAGAATCAGACAGGAGCAATCAGGGTGTTGCAAGTCCTGATTACGCA[G>GA]AGACGTTAATCACGTTTCATGCATCTCCAATCATCATGTTCTAATCTGCCCTCCGGAGGA-3'